The following is an entry in ClinVar:

ClinVar aggregate classification (germline): Uncertain significance (1 of 4 stars; one submission).

Conditions:
Autosomal recessive ataxia, Beauce type. Also called: SYNE1-Related Autosomal Recessive Cerebellar Ataxia; Spinocerebellar ataxia, autosomal recessive 8; ATAXIA, RECESSIVE, OF BEAUCE; SYNE1 Deficiency. Identifiers: Orphanet 88644, MedGen C1853116, MONDO:0012549, OMIM 610743.
Emery-Dreifuss muscular dystrophy 4, autosomal dominant (EDMD4). Also called: EMERY-DREIFUSS MUSCULAR DYSTROPHY 4 WITH VARIABLE FEATURES. Identifiers: Orphanet 261, MedGen C2751807, MONDO:0013071, OMIM 612998.

Allele frequency attached by ClinVar (database versions not stated): gnomAD 0.00001.
gnomAD v4.1: 8 of 1,613,944 alleles (0.0005%); highest among the groups gnomAD compares: Non-Finnish European, 0.00059%; no homozygotes.

Submission:

Labcorp Genetics (formerly Invitae), Labcorp
Classification: Uncertain significance for Emery-Dreifuss muscular dystrophy 4, autosomal dominant; Autosomal recessive ataxia, Beauce type. Last evaluated: 2021-08-24. Review status: criteria provided, single submitter. Criteria: Invitae Variant Classification Sherloc (09022015). Collection method: clinical testing. Allele origin: germline.
Comment: This sequence change replaces cysteine with arginine at codon 2223 of the SYNE1 protein (p.Cys2223Arg). The cysteine residue is weakly conserved and there is a large physicochemical difference between cysteine and arginine. This variant is not present in population databases (ExAC no frequency). This variant has not been reported in the literature in individuals affected with SYNE1-related conditions. Algorithms developed to predict the effect of missense changes on protein structure and function (SIFT, PolyPhen-2, Align-GVGD) all suggest that this variant is likely to be tolerated. In summary, the available evidence is currently insufficient to determine the role of this variant in disease. Therefore, it has been classified as a Variant of Uncertain Significance.

NM_182961.4(SYNE1):c.6646T>C (p.Cys2216Arg)

Gene: SYNE1 (spectrin repeat containing nuclear envelope protein 1; minus strand). Cytogenetic location: 6q25.2.
Variant type: single nucleotide variant.
Coding change: c.6646T>C on transcript NM_182961.4 (MANE Select); coding-DNA position 6646, T replaced by C.
Protein change: p.Cys2216Arg; replaces cysteine 2216 with arginine.
Molecular consequence: missense variant.
Genome position (GRCh38, 1-based): chr6:152,407,091, A>G on the plus strand (T>C on the coding strand, the complement: SYNE1 is on the minus strand). VCF-style: chr6-152407091-A-G. GRCh37 (hg19) VCF-style: chr6-152728226-A-G.
Other names: c.6667T>C, p.Cys2223Arg (NM_033071.5); short protein forms C2216R, C2223R.
Identifiers: ClinVar variation 1493687 (VCV001493687.5), dbSNP rs1183559257, ClinGen allele CA366123970.
Genomic context (GRCh38, chr6:152,407,091, plus strand): 5'-GTTCTTCAGCTCTGAGGTGGTTATCCAGGTTGCTGATGTTTTCTGCCATCTGTGGAACGC[A>G]GTTGTTTGACCATCCCTCAATCTCATCTCTAGTTGACAGTACATCATCCCAAATGGACAG-3'
Protein context (NP_892006.3, residues 2206-2226): RDEIEGWSNN[Cys2216Arg]VPQMAENISN